The following is an entry in ClinVar:

ClinVar aggregate classification (germline): Benign/Likely benign. Review status: criteria provided, multiple submitters, no conflicts (2 of 4 stars). 8 submissions from 8 submitters: Benign (1); Likely benign (7). Last evaluated 2025-10-19.

Conditions:
Familial cancer of breast. Also called: BREAST CANCER, FAMILIAL; Hereditary breast cancer; hereditary breast carcinoma. Identifiers: Orphanet 227535, MedGen C0346153, MONDO:0016419, OMIM 114480. Disease mechanism: loss of function.
Hereditary cancer-predisposing syndrome. Also called: Tumor predisposition; Hereditary Cancer Syndrome; Hereditary neoplastic syndrome; Neoplastic Syndromes, Hereditary. Identifiers: Orphanet 140162, MedGen C0027672, MeSH D009386, MONDO:0015356.

Allele frequency attached by ClinVar (database versions not stated): gnomAD exomes 0.00001 and 0.00003; TOPMed 0.00001; ExAC 0.00004.

Submissions (8):

Labcorp Genetics (formerly Invitae), Labcorp
Classification: Likely benign for Familial cancer of breast. Last evaluated: 2025-10-19. Review status: criteria provided, single submitter. Criteria: Invitae Variant Classification Sherloc (09022015). Collection method: clinical testing. Allele origin: germline.

Myriad Genetics, Inc.
Classification: Benign for Familial cancer of breast. Last evaluated: 2024-10-01. Review status: criteria provided, single submitter. Criteria: Myriad Autosomal Dominant, Autosomal Recessive and X-Linked Classification Criteria (2023). Collection method: clinical testing. Allele origin: unknown.
Comment: This variant is considered benign. This variant is a silent/synonymous amino acid change and it is not expected to impact splicing.

Quest Diagnostics Nichols Institute San Juan Capistrano
Classification: Likely benign. Last evaluated: 2023-05-26. Review status: criteria provided, single submitter. Criteria: Quest Diagnostics criteria. Collection method: clinical testing. Allele origin: unknown.

Women's Health and Genetics/Laboratory Corporation of America, LabCorp
Classification: Likely benign. Last evaluated: 2022-09-19. Review status: criteria provided, single submitter. Criteria: LabCorp Variant Classification Summary - May 2015. Collection method: clinical testing. Allele origin: germline.

GeneDx
Classification: Likely benign. Last evaluated: 2020-10-29. Review status: criteria provided, single submitter. Criteria: GeneDx Variant Classification Process June 2021. Collection method: clinical testing. Allele origin: germline. Affected: yes.

Color Diagnostics, LLC DBA Color Health
Classification: Likely benign for Hereditary cancer-predisposing syndrome. Last evaluated: 2018-05-02. Review status: criteria provided, single submitter. Criteria: ACMG Guidelines, 2015. Collection method: clinical testing. Allele origin: germline.

PreventionGenetics, part of Exact Sciences
Classification: Likely benign. Last evaluated: 2017-06-27. Review status: criteria provided, single submitter. Criteria: ACMG Guidelines, 2015. Collection method: clinical testing. Allele origin: germline.

Ambry Genetics
Classification: Likely benign for Hereditary cancer-predisposing syndrome. Last evaluated: 2015-07-24. Review status: criteria provided, single submitter. Criteria: Ambry Variant Classification Scheme 2023. Collection method: clinical testing. Allele origin: germline.

NM_007194.4(CHEK2):c.6T>C (p.Ser2=)

Gene: CHEK2 (checkpoint kinase 2; minus strand). Cytogenetic location: 22q12.1.
Variant type: single nucleotide variant.
Coding change: c.6T>C on transcript NM_007194.4 (MANE Select); coding-DNA position 6, T replaced by C.
Protein change: p.Ser2=; no amino-acid change (serine 2 retained).
Molecular consequence: synonymous variant.
Genome position (GRCh38, 1-based): chr22:28,734,716, A>G on the plus strand (T>C on the coding strand, the complement: CHEK2 is on the minus strand). VCF-style: chr22-28734716-A-G. GRCh37 (hg19) VCF-style: chr22-29130704-A-G.
Other names: c.6T>C, p.Ser2= (NM_001005735.3, NM_001349956.3, NM_145862.3); c.-772T>C (NM_001257387.3).
Identifiers: ClinVar variation 184153 (VCV000184153.25), dbSNP rs768632104, ClinGen allele CA187998.